The following is an entry in ClinVar:

NM_000548.5(TSC2):c.1169C>A (p.Thr390Lys)

Gene: TSC2 (TSC complex subunit 2; plus strand). Cytogenetic location: 16p13.3.
Variant type: single nucleotide variant.
Coding change: c.1169C>A on transcript NM_000548.5 (MANE Select); coding-DNA position 1169, C replaced by A.
Protein change: p.Thr390Lys; replaces threonine 390 with lysine.
Molecular consequence: missense variant. On other transcripts: 5 prime UTR variant (10), non-coding transcript variant (5).
Genome position (GRCh38, 1-based): chr16:2,061,920, C>A. VCF-style: chr16-2061920-C-A. GRCh37 (hg19) VCF-style: chr16-2111921-C-A.
Other names: NC_000016.9:g.2111921C>A; c.1058C>A, p.Thr353Lys (NM_001406678.1, NM_001318827.2, NM_001406670.1); c.1022C>A, p.Thr341Lys (NM_001406679.1, NM_001318829.2, NM_001406675.1 and 1 more transcripts); c.569C>A, p.Thr190Lys (NM_001406680.1, NM_001406682.1, NM_001406683.1 and 6 more transcripts); c.707C>A, p.Thr236Lys (NM_001406681.1); c.1169C>A, p.Thr390Lys (NM_001077183.3, NM_001114382.3, NM_001363528.2 and 6 more transcripts); c.1202C>A, p.Thr401Lys (NM_001318832.2); c.1259C>A, p.Thr420Lys (NM_001406667.1, NM_001406668.1); and 5 more; short protein forms T371K, T386K, T390K, T236K, T353K, T420K, T341K, T190K.
Identifiers: ClinVar variation 4409227 (VCV004409227.2).

ClinVar aggregate classification (germline): Uncertain significance (1 of 4 stars; one submission).

Submissions (2):

GeneDx
Classification: Uncertain significance. Last evaluated: 2025-08-11. Review status: criteria provided, single submitter. Criteria: GeneDx Variant Classification Process June 2021. Collection method: clinical testing. Allele origin: germline. Affected: yes.
Comment: Not observed at significant frequency in large population cohorts (gnomAD); In silico analysis supports that this missense variant has a deleterious effect on protein structure/function; Has not been previously published as pathogenic or benign to our knowledge; This variant is associated with the following publications: (PMID: 18466115)

Dr. Peter K. Rogan Lab, Western University
No classification provided (evidence only). Condition: Familial prostate cancer. Review status: no classification provided. Collection method: in vitro. Allele origin: not applicable. Functional consequence: retained intron. Not counted in ClinVar's aggregate classification.